The following is an entry in ClinVar:

NM_004525.3(LRP2):c.6887A>G (p.Asn2296Ser)

Gene: LRP2 (LDL receptor related protein 2; minus strand). Cytogenetic location: 2q31.1.
Variant type: single nucleotide variant.
Coding change: c.6887A>G on transcript NM_004525.3 (MANE Select); coding-DNA position 6887, A replaced by G.
Protein change: p.Asn2296Ser; replaces asparagine 2296 with serine.
Molecular consequence: missense variant.
Genome position (GRCh38, 1-based): chr2:169,206,833, T>C on the plus strand (A>G on the coding strand, the complement: LRP2 is on the minus strand). VCF-style: chr2-169206833-T-C. GRCh37 (hg19) VCF-style: chr2-170063343-T-C.
Other names: short protein forms N2296S.
Identifiers: ClinVar variation 2120301 (VCV002120301.4), dbSNP rs2545809754, ClinGen allele CA349172063.

ClinVar aggregate classification (germline): Uncertain significance (1 of 4 stars; one submission).

Allele frequency attached by ClinVar (database versions not stated): gnomAD exomes below 0.00001.
gnomAD v4.1: 1 of 1,614,184 alleles (0.000062%); highest among the groups gnomAD compares: South Asian, 0.0011%; no homozygotes.

Submission:

Labcorp Genetics (formerly Invitae), Labcorp
Classification: Uncertain significance. Last evaluated: 2022-11-22. Review status: criteria provided, single submitter. Criteria: Invitae Variant Classification Sherloc (09022015). Collection method: clinical testing. Allele origin: germline.
Comment: In summary, the available evidence is currently insufficient to determine the role of this variant in disease. Therefore, it has been classified as a Variant of Uncertain Significance. Algorithms developed to predict the effect of missense changes on protein structure and function are either unavailable or do not agree on the potential impact of this missense change (SIFT: "Deleterious"; PolyPhen-2: "Probably Damaging"; Align-GVGD: "Class C0"). This variant has not been reported in the literature in individuals affected with LRP2-related conditions. This variant is not present in population databases (gnomAD no frequency). This sequence change replaces asparagine, which is neutral and polar, with serine, which is neutral and polar, at codon 2296 of the LRP2 protein (p.Asn2296Ser).